The following is an entry in ClinVar:

ClinVar aggregate classification (germline): Uncertain significance (1 of 4 stars; one submission).

Conditions:
Neuropathy, hereditary sensory and autonomic, type 2A (HSAN2A). Also called: WNK1-Related HSAN2 (HSAN2A); ACROOSTEOLYSIS, GIACCAI TYPE; ACROOSTEOLYSIS, NEUROGENIC; MORVAN DISEASE; NEUROPATHY, CONGENITAL SENSORY; NEUROPATHY, HEREDITARY SENSORY RADICULAR, AUTOSOMAL RECESSIVE. Identifiers: Orphanet 970, MedGen C2752089, MONDO:0024309, OMIM 201300.
Pseudohypoaldosteronism type 2C (PHA2C). Also called: Pseudohypoaldosteronism Type IIC. Identifiers: Orphanet 757, Orphanet 88940, MedGen C1840391, MONDO:0013778, OMIM 614492.

gnomAD v4.1: 1 of 1,614,114 alleles (0.000062%); highest among the groups gnomAD compares: Non-Finnish European, 0.000085%; no homozygotes.

Submission:

Labcorp Genetics (formerly Invitae), Labcorp
Classification: Uncertain significance for Neuropathy, hereditary sensory and autonomic, type 2A; Pseudohypoaldosteronism type 2C. Last evaluated: 2025-07-08. Review status: criteria provided, single submitter. Criteria: Invitae Variant Classification Sherloc (09022015). Collection method: clinical testing. Allele origin: germline.
Comment: This sequence change replaces lysine, which is basic and polar, with asparagine, which is neutral and polar, at codon 2218 of the WNK1 protein (p.Lys2218Asn). This variant is not present in population databases (gnomAD no frequency). This variant has not been reported in the literature in individuals affected with WNK1-related conditions. Invitae Evidence Modeling of protein sequence and biophysical properties (such as structural, functional, and spatial information, amino acid conservation, physicochemical variation, residue mobility, and thermodynamic stability) indicates that this missense variant is not expected to disrupt WNK1 protein function with a negative predictive value of 95%. In summary, the available evidence is currently insufficient to determine the role of this variant in disease. Therefore, it has been classified as a Variant of Uncertain Significance.

NM_018979.4(WNK1):c.5898G>C (p.Lys1966Asn)

Gene: WNK1 (WNK lysine deficient protein kinase 1; plus strand). Cytogenetic location: 12p13.33.
Variant type: single nucleotide variant.
Coding change: c.5898G>C on transcript NM_018979.4 (MANE Select); coding-DNA position 5898, G replaced by C.
Protein change: p.Lys1966Asn; replaces lysine 1966 with asparagine.
Molecular consequence: missense variant.
Genome position (GRCh38, 1-based): chr12:896,385, G>C. VCF-style: chr12-896385-G-C. GRCh37 (hg19) VCF-style: chr12-1005551-G-C.
Other names: c.6678G>C, p.Lys2226Asn (NM_001184985.2); c.5154G>C, p.Lys1718Asn (NM_014823.3); c.6654G>C, p.Lys2218Asn (NM_213655.5); short protein forms K1718N, K2226N, K1966N, K2218N.
Identifiers: ClinVar variation 4789218 (VCV004789218.1).